The following is an entry in ClinVar:

NM_080680.3(COL11A2):c.2530G>T (p.Gly844Cys)

Gene: COL11A2 (collagen type XI alpha 2 chain; minus strand). Cytogenetic location: 6p21.32.
Variant type: single nucleotide variant.
Coding change: c.2530G>T on transcript NM_080680.3 (MANE Select); coding-DNA position 2530, G replaced by T.
Protein change: p.Gly844Cys; replaces glycine 844 with cysteine.
Molecular consequence: missense variant.
Genome position (GRCh38, 1-based): chr6:33,173,926, C>A on the plus strand (G>T on the coding strand, the complement: COL11A2 is on the minus strand). VCF-style: chr6-33173926-C-A. GRCh37 (hg19) VCF-style: chr6-33141703-C-A.
Other names: c.2350G>T, p.Gly784Cys (NM_001424108.1); c.1684G>T, p.Gly562Cys (NM_001424109.1); c.1504G>T, p.Gly502Cys (NM_001424110.1, NM_001424111.1); c.484G>T, p.Gly162Cys (NM_001424112.1); c.2209G>T, p.Gly737Cys (NM_080679.3); c.2272G>T, p.Gly758Cys (NM_080681.3); short protein forms G162C, G758C, G844C, G737C, G502C, G562C, G784C.
Identifiers: ClinVar variation 3638565 (VCV003638565.2).

ClinVar aggregate classification (germline): Uncertain significance (1 of 4 stars; one submission).

Submission:

Labcorp Genetics (formerly Invitae), Labcorp
Classification: Uncertain significance. Last evaluated: 2024-02-02. Review status: criteria provided, single submitter. Criteria: Invitae Variant Classification Sherloc (09022015). Collection method: clinical testing. Allele origin: germline.
Comment: This sequence change replaces glycine, which is neutral and non-polar, with cysteine, which is neutral and slightly polar, at codon 844 of the COL11A2 protein (p.Gly844Cys). This variant is not present in population databases (gnomAD no frequency). This variant has not been reported in the literature in individuals affected with COL11A2-related conditions. An algorithm developed to predict the effect of missense changes on protein structure and function (PolyPhen-2) suggests that this variant is likely to be disruptive. In summary, the available evidence is currently insufficient to determine the role of this variant in disease. Therefore, it has been classified as a Variant of Uncertain Significance.